The following is an entry in ClinVar:

NM_002109.6(HARS1):c.883G>T (p.Ala295Ser)

Gene: HARS1 (histidyl-tRNA synthetase 1; minus strand). Cytogenetic location: 5q31.3.
Variant type: single nucleotide variant.
Coding change: c.883G>T on transcript NM_002109.6 (MANE Select); coding-DNA position 883, G replaced by T.
Protein change: p.Ala295Ser; replaces alanine 295 with serine.
Molecular consequence: missense variant.
Genome position (GRCh38, 1-based): chr5:140,677,057, C>A on the plus strand (G>T on the coding strand, the complement: HARS1 is on the minus strand). VCF-style: chr5-140677057-C-A. GRCh37 (hg19) VCF-style: chr5-140056642-C-A.
Other names: c.763G>T, p.Ala255Ser (NM_001258040.3); c.823G>T, p.Ala275Ser (NM_001258041.3); c.703G>T, p.Ala235Ser (NM_001258042.3); c.661G>T, p.Ala221Ser (NM_001289092.2); c.541G>T, p.Ala181Ser (NM_001289093.2); c.796G>T, p.Ala266Ser (NM_001289094.2); short protein forms A181S, A221S, A235S, A255S, A266S, A275S, A295S.
Identifiers: ClinVar variation 3373355 (VCV003373355.1).
Genomic context (GRCh38, chr5:140,677,057, plus strand): 5'-CAATGCCAAATAGGGTCAGGTACTCAAAGAGCAACTTCAGGTCTCCCAGGCCCTCCAAGG[C>A]CTGCTTGTTTTGGGATAGTTTAGGATCCTGGAGCAGCTGTTCCACCAGGGATACCCCACC-3'
Protein context (NP_002100.2, residues 285-305): QDPKLSQNKQ[Ala295Ser]LEGLGDLKLL

ClinVar aggregate classification (germline): Uncertain significance (1 of 4 stars; one submission).

Submission:

GeneDx
Classification: Uncertain significance. Last evaluated: 2024-04-30. Review status: criteria provided, single submitter. Criteria: GeneDx Variant Classification Process June 2021. Collection method: clinical testing. Allele origin: germline. Affected: yes.
Comment: Not observed at significant frequency in large population cohorts (gnomAD); In silico analysis supports that this missense variant has a deleterious effect on protein structure/function; Has not been previously published as pathogenic or benign to our knowledge